The following is an entry in ClinVar:

NM_031220.4(PITPNM3):c.2899C>T (p.Pro967Ser)

Genes: PITPNM3 (PITPNM family member 3; minus strand), LOC130060086 (ATAC-STARR-seq lymphoblastoid silent region 8076; plus strand). Cytogenetic location: 17p13.2.
Variant type: single nucleotide variant.
Coding change: c.2899C>T on transcript NM_031220.4 (MANE Select); coding-DNA position 2899, C replaced by T.
Protein change: p.Pro967Ser; replaces proline 967 with serine.
Molecular consequence: missense variant.
Genome position (GRCh38, 1-based): chr17:6,455,364, G>A on the plus strand (C>T on the coding strand, the complement: PITPNM3 is on the minus strand). VCF-style: chr17-6455364-G-A. GRCh37 (hg19) VCF-style: chr17-6358684-G-A.
Other names: c.2791C>T, p.Pro931Ser (NM_001165966.2); short protein forms P931S, P967S.
Identifiers: ClinVar variation 3010282 (VCV003010282.3), dbSNP rs771613525, ClinGen allele CA8328992.

ClinVar aggregate classification (germline): Uncertain significance (1 of 4 stars; one submission).

Allele frequency attached by ClinVar (database versions not stated): TOPMed below 0.00001; gnomAD 0.00001; ExAC 0.00002.
gnomAD v4.1: 42 of 1,583,304 alleles (0.0027%); highest among the groups gnomAD compares: Non-Finnish European, 0.0034%; no homozygotes.

Submission:

Labcorp Genetics (formerly Invitae), Labcorp
Classification: Uncertain significance. Last evaluated: 2023-11-25. Review status: criteria provided, single submitter. Criteria: Invitae Variant Classification Sherloc (09022015). Collection method: clinical testing. Allele origin: germline.
Comment: This sequence change replaces proline, which is neutral and non-polar, with serine, which is neutral and polar, at codon 967 of the PITPNM3 protein (p.Pro967Ser). The frequency data for this variant in the population databases is considered unreliable, as metrics indicate poor data quality at this position in the gnomAD database. This variant has not been reported in the literature in individuals affected with PITPNM3-related conditions. An algorithm developed to predict the effect of missense changes on protein structure and function (PolyPhen-2) suggests that this variant is likely to be tolerated. Algorithms developed to predict the effect of sequence changes on RNA splicing suggest that this variant may create or strengthen a splice site. In summary, the available evidence is currently insufficient to determine the role of this variant in disease. Therefore, it has been classified as a Variant of Uncertain Significance.